The following is an entry in ClinVar:

ClinVar aggregate classification (germline): Likely benign. Review status: criteria provided, single submitter (1 of 4 stars). 2 submissions from 2 submitters: Likely benign (1). 1 of the submissions does not count toward it. Last evaluated 2024-01-31.

Conditions:
HSPA1L-related disorder. Also called: HSPA1L-related condition.

Allele frequency attached by ClinVar (database versions not stated): gnomAD 0.00001; ExAC 0.00002; TOPMed 0.00002.

Submissions (2):

Blueprint Genetics
Classification: Likely benign. Last evaluated: 2024-01-31. Review status: criteria provided, single submitter. Criteria: ACMG Guidelines, 2015. Collection method: clinical testing. Allele origin: germline.

PreventionGenetics, part of Exact Sciences
Classification: Likely benign for HSPA1L-related condition. Last evaluated: 2019-08-13. Review status: no assertion criteria provided. Collection method: clinical testing. Allele origin: germline. Not counted in ClinVar's aggregate classification.
Comment: This variant is classified as likely benign based on ACMG/AMP sequence variant interpretation guidelines (Richards et al. 2015 PMID: 25741868, with internal and published modifications).

NM_005527.4(HSPA1L):c.141A>G (p.Thr47=)

Gene: HSPA1L (heat shock protein family A (Hsp70) member 1 like; minus strand). Cytogenetic location: 6p21.33.
Variant type: single nucleotide variant.
Coding change: c.141A>G on transcript NM_005527.4 (MANE Select); coding-DNA position 141, A replaced by G.
Protein change: p.Thr47=; no amino-acid change (threonine 47 retained).
Molecular consequence: synonymous variant.
Genome position (GRCh38, 1-based): chr6:31,811,832, T>C on the plus strand (A>G on the coding strand, the complement: HSPA1L is on the minus strand). VCF-style: chr6-31811832-T-C. GRCh37 (hg19) VCF-style: chr6-31779609-T-C.
Identifiers: ClinVar variation 3053197 (VCV003053197.3), dbSNP rs775886586, ClinGen allele CA3724122.